The following is an entry in ClinVar:

ClinVar aggregate classification (germline): Conflicting classifications of pathogenicity. Review status: criteria provided, conflicting classifications (1 of 4 stars). 3 submissions from 3 submitters: Uncertain significance (1); Likely benign (2). Last evaluated 2025-11-13.

Conditions:
Inborn genetic diseases. Identifiers: MedGen C0950123, MeSH D030342.
Charcot-Marie-Tooth disease axonal type 2O. Also called: CHARCOT-MARIE-TOOTH NEUROPATHY, AXONAL, TYPE 2O; CHARCOT-MARIE-TOOTH DISEASE, AXONAL, AUTOSOMAL DOMINANT, TYPE 2O; Charcot-Marie-Tooth disease, axonal, type 20; Charcot-Marie-Tooth Neuropathy Type 2O. Identifiers: Orphanet 284232, MedGen C3280220, MONDO:0013644, OMIM 614228.

Allele frequency attached by ClinVar (database versions not stated): gnomAD 0.00001 and 0.00002; TOPMed 0.00002; 1000 Genomes Project 0.00020; 1000 Genomes Project 30x 0.00031.
gnomAD v4.1: 37 of 1,603,430 alleles (0.0023%); highest among the groups gnomAD compares: Middle Eastern, 0.017%; no homozygotes.

Submissions (3):

Labcorp Genetics (formerly Invitae), Labcorp
Classification: Likely benign for Charcot-Marie-Tooth disease axonal type 2O. Last evaluated: 2025-11-13. Review status: criteria provided, single submitter. Criteria: Invitae Variant Classification Sherloc (09022015). Collection method: clinical testing. Allele origin: germline.

Ambry Genetics
Classification: Uncertain significance for Inborn genetic diseases. Last evaluated: 2018-11-27. Review status: criteria provided, single submitter. Criteria: Ambry Variant Classification Scheme 2023. Collection method: clinical testing. Allele origin: germline.
Comment: The p.A4584T variant (also known as c.13750G>A), located in coding exon 77 of the DYNC1H1 gene, results from a G to A substitution at nucleotide position 13750. The alanine at codon 4584 is replaced by threonine, an amino acid with similar properties. This amino acid position is poorly conserved in available vertebrate species. In addition, this alteration is predicted to be tolerated by in silico analysis. Since supporting evidence is limited at this time, the clinical significance of this alteration remains unclear.

Genetic Services Laboratory, University of Chicago
Classification: Likely benign. Last evaluated: 2016-08-12. Review status: criteria provided, single submitter. Criteria: ACMG Guidelines, 2015. Collection method: clinical testing. Allele origin: germline. Affected: no.

NM_001376.5(DYNC1H1):c.13750G>A (p.Ala4584Thr)

Gene: DYNC1H1 (dynein cytoplasmic 1 heavy chain 1; plus strand). Cytogenetic location: 14q32.31.
Variant type: single nucleotide variant.
Coding change: c.13750G>A on transcript NM_001376.5 (MANE Select); coding-DNA position 13750, G replaced by A.
Protein change: p.Ala4584Thr; replaces alanine 4584 with threonine.
Molecular consequence: missense variant.
Genome position (GRCh38, 1-based): chr14:102,050,136, G>A. VCF-style: chr14-102050136-G-A. GRCh37 (hg19) VCF-style: chr14-102516473-G-A.
Other names: short protein forms A4584T.
Identifiers: ClinVar variation 434982 (VCV000434982.15), dbSNP rs544608488, ClinGen allele CA7354348.